The following is an entry in ClinVar:

ClinVar aggregate classification (germline): Benign/Likely benign. Review status: criteria provided, multiple submitters, no conflicts (2 of 4 stars). 3 submissions from 3 submitters: Benign (1); Likely benign (2). Last evaluated 2024-05-09.

Conditions:
Ataxia-telangiectasia syndrome (AT). Also called: Ataxia-telangiectasia, complementation group D; AT, COMPLEMENTATION GROUP C; ATAXIA-TELANGIECTASIA, COMPLEMENTATION GROUP A; ATAXIA-TELANGIECTASIA, FRESNO VARIANT; Ataxia-telangiectasia; LOUIS-BAR SYNDROME. Identifiers: Orphanet 100, MedGen C0004135, MONDO:0008840, OMIM 208900.
Familial cancer of breast. Also called: BREAST CANCER, FAMILIAL; hereditary breast carcinoma; Hereditary breast cancer. Identifiers: Orphanet 227535, MedGen C0346153, MONDO:0016419, OMIM 114480. Disease mechanism: loss of function.
Hereditary cancer-predisposing syndrome. Also called: Neoplastic Syndromes, Hereditary; Tumor predisposition; Hereditary neoplastic syndrome; Hereditary Cancer Syndrome. Identifiers: Orphanet 140162, MedGen C0027672, MeSH D009386, MONDO:0015356.

Submissions (3):

Myriad Genetics, Inc.
Classification: Benign for Familial cancer of breast. Last evaluated: 2024-05-09. Review status: criteria provided, single submitter. Criteria: Myriad Autosomal Dominant, Autosomal Recessive and X-Linked Classification Criteria (2023). Collection method: clinical testing. Allele origin: unknown.
Comment: This variant is considered benign. This variant is a silent/synonymous amino acid change and it is not expected to impact splicing.

Labcorp Genetics (formerly Invitae), Labcorp
Classification: Likely benign for Ataxia-telangiectasia syndrome. Last evaluated: 2024-01-31. Review status: criteria provided, single submitter. Criteria: Invitae Variant Classification Sherloc (09022015). Collection method: clinical testing. Allele origin: germline.

Ambry Genetics
Classification: Likely benign for Hereditary cancer-predisposing syndrome. Last evaluated: 2021-03-04. Review status: criteria provided, single submitter. Criteria: Ambry Variant Classification Scheme 2023. Collection method: clinical testing. Allele origin: germline.

NM_000051.4(ATM):c.2469A>G (p.Ala823=)

Gene: ATM (ATM serine/threonine kinase; plus strand). Cytogenetic location: 11q22.3.
Variant type: single nucleotide variant.
Coding change: c.2469A>G on transcript NM_000051.4 (MANE Select); coding-DNA position 2469, A replaced by G.
Protein change: p.Ala823=; no amino-acid change (alanine 823 retained).
Molecular consequence: synonymous variant.
Genome position (GRCh38, 1-based): chr11:108,267,173, A>G. VCF-style: chr11-108267173-A-G. GRCh37 (hg19) VCF-style: chr11-108137900-A-G.
Other names: c.2469A>G, p.Ala823= (NM_001351834.2).
Identifiers: ClinVar variation 1791729 (VCV001791729.6), dbSNP rs2135505150, ClinGen allele CA476673513.